The following is an entry in ClinVar:

ClinVar aggregate classification (germline): Pathogenic. Review status: criteria provided, multiple submitters, no conflicts (2 of 4 stars). 13 submissions from 13 submitters: Pathogenic (9). 4 of the submissions do not count toward it. Last evaluated 2025-10-12.

Conditions:
Hypohidrotic X-linked ectodermal dysplasia (XHED). Also called: ECTODERMAL DYSPLASIA, HYPOHIDROTIC, 1; CST SYNDROME; ECTODERMAL DYSPLASIA 1; Anhidrotic ectodermal dysplasia X-linked; Christ Siemens Touraine syndrome; Christ-Siemans-Touraine syndrome. Identifiers: Orphanet 181, Orphanet 238468, MedGen C0162359, MONDO:0010585, OMIM 305100.
Tooth agenesis, selective, X-linked, 1 (STHAGX1). Also called: HYPODONTIA/OLIGODONTIA, X-LINKED, 1. Identifiers: Orphanet 99798, MedGen C1970757, MONDO:0010741, OMIM 313500. Disease mechanism: loss of function.
EDA-related disorder. Also called: EDA-related condition; EDA-related disorders.

Allele frequency attached by ClinVar (database versions not stated): gnomAD exomes below 0.00001; gnomAD 0.00002.
gnomAD v4.1: 4 of 1,209,991 alleles (0.00033%); highest among the groups gnomAD compares: Admixed American, 0.0044%; no homozygotes.

Submissions (13):

Labcorp Genetics (formerly Invitae), Labcorp
Classification: Pathogenic for Hypohidrotic X-linked ectodermal dysplasia. Last evaluated: 2025-10-12. Review status: criteria provided, single submitter. Criteria: Invitae Variant Classification Sherloc (09022015). Collection method: clinical testing. Allele origin: germline.
Comment: This sequence change replaces arginine, which is basic and polar, with cysteine, which is neutral and slightly polar, at codon 155 of the EDA protein (p.Arg155Cys). This variant is not present in population databases (gnomAD no frequency). This missense change has been observed in individual(s) with X-linked hypohidrotic ectodermal dsyplasia (XLHED) (PMID: 9683615, 18231121, 18821982, 20486090, 22428923, 25333067, 26273176, 27054699, 27305980, 27657131). In at least one individual the variant was observed to be de novo. It has also been observed to segregate with disease in related individuals. ClinVar contains an entry for this variant (Variation ID: 11035). Invitae Evidence Modeling of protein sequence and biophysical properties (such as structural, functional, and spatial information, amino acid conservation, physicochemical variation, residue mobility, and thermodynamic stability) indicates that this missense variant is not expected to disrupt EDA protein function with a negative predictive value of 80%. For these reasons, this variant has been classified as Pathogenic.

3billion
Classification: Pathogenic for Hypohidrotic X-linked ectodermal dysplasia. Last evaluated: 2025-03-27. Review status: criteria provided, single submitter. Criteria: ACMG Guidelines, 2015. Collection method: clinical testing. Allele origin: germline. Affected: yes.
Comment: The variant is observed at an extremely low frequency in the gnomAD v4.1.0 dataset (total allele frequency: <0.001%). Predicted Consequence/Location: Missense variant In silico tool predictions suggest damaging effect of the variant on gene or gene product [3Cnet: 0.95 (> 0.75, sensitivity 0.96 and precision 0.92)]. The same nucleotide change resulting in the same amino acid change has been previously reported as pathogenic/likely pathogenic with strong evidence (ClinVar ID: VCV000011035 / PMID: 12930312, 9683615 / 3billion dataset). The variant has been previously reported as de novo in a similarly affected individual (PMID: 27054699). The variant has been observed in multiple (>3) similarly affected unrelated individuals (PMID: 22428923, 25333067, 27305980). The variant has been reported to co-segregate with the disease in at least 7 similarly affected relatives/individuals in at least two unrelated families (PMID: 18231121, 18821982, 20486090, 26273176). Therefore, this variant is classified as Pathogenic according to the recommendation of ACMG/AMP guideline.

Blueprint Genetics
Classification: Pathogenic for EDA-related disorders. Last evaluated: 2024-07-22. Review status: criteria provided, single submitter. Criteria: ACMG Guidelines, 2015. Collection method: clinical testing. Allele origin: germline. Affected: yes. Observed: 5 variant alleles.

GeneDx
Classification: Pathogenic. Last evaluated: 2024-04-22. Review status: criteria provided, single submitter. Criteria: GeneDx Variant Classification Process June 2021. Collection method: clinical testing. Allele origin: germline. Affected: yes.
Comment: Published functional studies demonstrate a damaging effect (PMID: 11416205); Missense variants in this gene are often considered pathogenic (HGMD); Not observed in large population cohorts (gnomAD); In silico analysis indicates that this missense variant does not alter protein structure/function; This variant is associated with the following publications: (PMID: 22428923, 24033266, 11279189, 34573371, 23926003, 20486090, 18821982, 9683615, 27054699, 11378824, 28045201, 30417976, 31129666, 31924237, 34863015, 11416205)

Laboratory of Medical Genetics, National & Kapodistrian University of Athens
Classification: Pathogenic for Hypohidrotic X-linked ectodermal dysplasia. Last evaluated: 2022-10-24. Review status: criteria provided, single submitter. Criteria: ACMG Guidelines, 2015. Collection method: clinical testing. Allele origin: germline. Affected: yes.
Comment: PS3, PM1, PM2, PP3, PP5

Victorian Clinical Genetics Services, Murdoch Childrens Research Institute
Classification: Pathogenic for Hypohidrotic X-linked ectodermal dysplasia. Last evaluated: 2022-06-24. Review status: criteria provided, single submitter. Criteria: ACMG Guidelines, 2015. Collection method: clinical testing. Allele origin: germline.
Comment: Based on the classification scheme VCGS_Germline_v1.3.4, this variant is classified as pathogenic. The following criteria are met: 0102 - Loss of function is a known mechanism of disease in this gene and is associated with X-linked hypohidrotic ectodermal dysplasia 1 (MIM#305100) and selective tooth agenesis (MIM#313500). (I) 0110 - This gene is associated with X-linked disease. (I) 0200 - Variant is predicted to result in a missense amino acid change from arginine to cysteine. (I) 0251 - This variant is heterozygous. (I) 0302 - Variant is present in gnomAD (v3) <0.001 for a dominant condition (2 heterozygotes, 0 homozygotes, 0 hemizygotes). (SP) 0309 - An alternative amino acid change at the same position has been observed in gnomAD (v2) (21 heterozygotes, 0 homozygotes, 13 hemizygotes). (I) 0502 - Missense variant with conflicting in silico predictions and uninformative conservation. (I) 0600 - Variant is located in the consensus furin motif (PMID: 11416205). (I) 0801 - This variant has strong previous evidence of pathogenicity in unrelated individuals. This variant is well-reported in the literature and has been reported in at least ten individuals with hypohidrotic ectodermal dysplasia (HED) (ClinVar; PMID: 27054699; 27305980; 26273176). (SP) 1002 - This variant has moderate functional evidence supporting abnormal protein function. The variant resides within a consensus furin motif and in vitro studies demonstrated that this variant impacts protein cleavage (PMID: 11416205) (SP) Legend: (SP) - Supporting pathogenic, (I) - Information, (SB) - Supporting benign

Greenwood Genetic Center Diagnostic Laboratories, Greenwood Genetic Center
Classification: Pathogenic for Hypohidrotic X-linked ectodermal dysplasia. Last evaluated: 2021-06-11. Review status: criteria provided, single submitter. Criteria: ACMG Guidelines, 2015. Collection method: clinical testing. Allele origin: germline. Affected: yes.
Comment: PS3, PS4, PM1, PM2, PM6

Fulgent Genetics
Classification: Pathogenic for Hypohidrotic X-linked ectodermal dysplasia; Tooth agenesis, selective, X-linked, 1. Last evaluated: 2018-10-31. Review status: criteria provided, single submitter. Criteria: ACMG Guidelines, 2015. Collection method: clinical testing. Allele origin: unknown.

Laboratory for Molecular Medicine, Mass General Brigham Personalized Medicine
Classification: Pathogenic for Hypohidrotic X-linked ectodermal dysplasia. Last evaluated: 2015-06-10. Review status: criteria provided, single submitter. Criteria: LMM Criteria. Collection method: clinical testing. Allele origin: germline. Inheritance: X-linked inheritance. Observed: 8 variant alleles.
Comment: The p.Arg155Cys variant in EDA has been reported in 6 affected males with X-link ed hypohidrotic ectodermal dysplasia (XLHED) and segregated with disease in 1 af fected male and 5 carrier females from 3 families (Monreal 1998, Schneider 2001, Fan 2008, Khabour 2010, Callea 2013, Zhu 2013). It was absent from large popula tion studies. Furthermore, this variant has been identified by our laboratory in 5 individuals with XLHED. This variant resides in the furin domain of EDA and i n-vitro functional studies suggest that this variant impacts protein cleavage (C hen, 2001). In summary, this variant meets our criteria to be classified as path ogenic for XLHED based upon segregation studies, absence from controls, and func tional evidence.

Natera, Inc.
Classification: Pathogenic for Christ-Siemens-Touraine syndrome. Last evaluated: 2020-11-12. Review status: no assertion criteria provided. Collection method: clinical testing. Allele origin: germline. Not counted in ClinVar's aggregate classification.

OMIM
Classification: Pathogenic for ECTODERMAL DYSPLASIA 1, HYPOHIDROTIC/HAIR/TOOTH TYPE, X-LINKED. Last evaluated: 1998-08-01. Review status: no assertion criteria provided. Collection method: literature only. Allele origin: germline. Not counted in ClinVar's aggregate classification.

Diagnostic Laboratory, Department of Genetics, University Medical Center Groningen
Classification: Pathogenic. Review status: no assertion criteria provided. Collection method: clinical testing. Allele origin: germline. Affected: yes. Study: VKGL Data-share Consensus. Not counted in ClinVar's aggregate classification.

Genome Diagnostics Laboratory, University Medical Center Utrecht
Classification: Pathogenic. Review status: no assertion criteria provided. Collection method: clinical testing. Allele origin: germline. Affected: yes. Study: VKGL Data-share Consensus. Not counted in ClinVar's aggregate classification.

Literature cited by the submitters: PubMed 9683615 (cited by 3 submitters); PubMed 18231121 (cited by Labcorp Genetics (formerly Invitae), Labcorp and 3billion); PubMed 18821982 (cited by 3 submitters); PubMed 20486090 (cited by 3 submitters); PubMed 22428923 (cited by 3 submitters); PubMed 25333067 (cited by Labcorp Genetics (formerly Invitae), Labcorp and 3billion); PubMed 26273176 (cited by 3 submitters); PubMed 27054699 (cited by 3 submitters); PubMed 27305980 (cited by 3 submitters); PubMed 27657131 (cited by Labcorp Genetics (formerly Invitae), Labcorp); PubMed 12930312 (cited by 3billion); PubMed 11416205 (cited by Victorian Clinical Genetics Services, Murdoch Childrens Research Institute and Laboratory for Molecular Medicine, Mass General Brigham Personalized Medicine); PubMed 11279189 (cited by Laboratory for Molecular Medicine, Mass General Brigham Personalized Medicine); PubMed 23926003 (cited by Laboratory for Molecular Medicine, Mass General Brigham Personalized Medicine).

NM_001399.5(EDA):c.463C>T (p.Arg155Cys)

Gene: EDA (ectodysplasin A; plus strand). Cytogenetic location: Xq13.1.
Variant type: single nucleotide variant.
Coding change: c.463C>T on transcript NM_001399.5 (MANE Select); coding-DNA position 463, C replaced by T.
Protein change: p.Arg155Cys; replaces arginine 155 with cysteine.
Molecular consequence: missense variant.
Genome position (GRCh38, 1-based): chrX:69,957,093, C>T. VCF-style: chrX-69957093-C-T. GRCh37 (hg19) VCF-style: chrX-69176943-C-T.
Other names: c.463C>T, p.Arg155Cys (NM_001005609.2, NM_001005612.3); short protein forms R155C.
Identifiers: ClinVar variation 11035 (VCV000011035.28), dbSNP rs132630312, ClinGen allele CA255654.
Genomic context (GRCh38, chrX:69,957,093, plus strand): 5'-CTATTGAATTTCTTCTTCCCTGATGAAAAGCCATACTCTGAAGAAGAAAGTAGGCGTGTT[C>T]GCCGCAATAAAAGAAGCAAAAGCAATGAAGGAGCAGATGGTAAGTCTACTCAGTTGATCC-3'
Protein context (NP_001390.1, residues 145-165): PYSEEESRRV[Arg155Cys]RNKRSKSNEG